The following is an entry in ClinVar:

ClinVar aggregate classification (germline): Uncertain significance. Review status: criteria provided, multiple submitters, no conflicts (2 of 4 stars). 3 submissions from 3 submitters: Uncertain significance (3). Last evaluated 2024-05-14.

Conditions:
Cardiomyopathy (CMYO). Also called: Cardiomyopathies. Identifiers: Orphanet 167848, MedGen C0878544, MONDO:0004994, HP:0001638. Inheritance: Various modes of inheritance.
Familial isolated arrhythmogenic right ventricular dysplasia. Identifiers: Orphanet 217656, MedGen C4274968, MONDO:0016342.

Allele frequency attached by ClinVar (database versions not stated): gnomAD exomes below 0.00001; TOPMed 0.00001; gnomAD 0.00004.
gnomAD v4.1: 13 of 1,614,016 alleles (0.00081%); highest among the groups gnomAD compares: Admixed American, 0.0017%; no homozygotes.

Submissions (3):

All of Us Research Program, National Institutes of Health
Classification: Uncertain significance for Familial isolated arrhythmogenic right ventricular dysplasia. Last evaluated: 2024-05-14. Review status: criteria provided, single submitter. Criteria: ACMG Guidelines, 2015. Collection method: clinical testing. Allele origin: germline. Inheritance: Autosomal dominant inheritance. Observed: 1 variant allele, 1 heterozygote.
Comment: This variant causes an A to G nucleotide substitution at the +3 position of intron 7 of the DSC2 gene. To our knowledge, functional studies have not been reported for this variant. This variant has been reported in at least 1 individual affected with arrhythmogenic right ventricular cardiomyopathy/dysplasia (PMID: 21606396). This variant has been identified in 3/282790 chromosomes in the general population by the Genome Aggregation Database (gnomAD). The available evidence is insufficient to determine the role of this variant in disease conclusively. Therefore, this variant is classified as a Variant of Uncertain Significance.

This study involves interpretation of variants in research participants for the purpose of population health screening. Participant phenotype was not available at the time of variant classification. Additional details can be found in publication PMID: 35346344, PMCID: PMC8962531

Color Diagnostics, LLC DBA Color Health
Classification: Uncertain significance for Cardiomyopathy. Last evaluated: 2024-05-03. Review status: criteria provided, single submitter. Criteria: ACMG Guidelines, 2015. Collection method: clinical testing. Allele origin: germline.
Comment: This variant causes an A to G nucleotide substitution at the +3 position of intron 7 of the DSC2 gene. To our knowledge, functional studies have not been reported for this variant. This variant has been reported in at least 1 individual affected with arrhythmogenic right ventricular cardiomyopathy/dysplasia (PMID: 21606396). This variant has been identified in 3/282790 chromosomes in the general population by the Genome Aggregation Database (gnomAD). The available evidence is insufficient to determine the role of this variant in disease conclusively. Therefore, this variant is classified as a Variant of Uncertain Significance.

GeneDx
Classification: Uncertain significance. Last evaluated: 2022-12-22. Review status: criteria provided, single submitter. Criteria: GeneDx Variant Classification Process June 2021. Collection method: clinical testing. Allele origin: germline. Affected: yes.
Comment: Not observed at significant frequency in large population cohorts (gnomAD); In silico analysis is inconclusive as to whether the variant alters gene splicing. In the absence of RNA/functional studies, the actual effect of this sequence change is unknown.; This variant is associated with the following publications: (PMID: 23871674, 31402444, 21606396)

Literature cited by the submitters: PubMed 21606396 (cited by All of Us Research Program, National Institutes of Health and Color Diagnostics, LLC DBA Color Health).

NM_024422.6(DSC2):c.942+3A>G

Gene: DSC2 (desmocollin 2; minus strand). Cytogenetic location: 18q12.1.
Variant type: single nucleotide variant.
Coding change: c.942+3A>G on transcript NM_024422.6 (MANE Select); 3 bases into the intron after coding-DNA position 942, A replaced by G.
Molecular consequence: intron variant.
Genome position (GRCh38, 1-based): chr18:31,086,573, T>C on the plus strand (A>G on the coding strand, the complement: DSC2 is on the minus strand). VCF-style: chr18-31086573-T-C. GRCh37 (hg19) VCF-style: chr18-28666536-T-C.
Other names: c.942+3A>G (NM_004949.5).
Identifiers: ClinVar variation 1810178 (VCV001810178.4), dbSNP rs1420051870, ClinGen allele CA629453180.
Genomic context (GRCh38, chr18:31,086,573, plus strand): 5'-GGAGTTATACAGGTACTATTGAATAGCCACGTTATAATCAGGTTTTATTAATGTTTATGT[T>C]ACCTCTCTGTCTAGCTGAGATGATGTTGTGGTGATCACGCCTGTAGTTGGATGCATAGAA-3'